The following is an entry in ClinVar:

ClinVar aggregate classification (germline): Conflicting classifications of pathogenicity. Review status: criteria provided, conflicting classifications (1 of 4 stars). 2 submissions from 2 submitters: Likely pathogenic (1); Uncertain significance (1). Last evaluated 2026-03-17.

Conditions:
Hereditary cancer-predisposing syndrome. Also called: Tumor predisposition; Neoplastic Syndromes, Hereditary; Hereditary neoplastic syndrome; Hereditary Cancer Syndrome. Identifiers: Orphanet 140162, MedGen C0027672, MeSH D009386, MONDO:0015356.
Peutz-Jeghers syndrome (PJS). Also called: POLYPOSIS, HAMARTOMATOUS INTESTINAL; POLYPS-AND-SPOTS SYNDROME; Peutz-Jeghers polyposis; Periorificial lentiginosis syndrome. Identifiers: Orphanet 2869, MedGen C0031269, MeSH D010580, MONDO:0008280, OMIM 175200.

Submissions (2):

Ambry Genetics
Classification: Likely pathogenic for Hereditary cancer-predisposing syndrome. Last evaluated: 2026-03-17. Review status: criteria provided, single submitter. Criteria: Ambry Variant Classification Scheme 2023. Collection method: clinical testing. Allele origin: germline.
Comment: The p.L184P variant (also known as c.551T>C), located in coding exon 4 of the STK11 gene, results from a T to C substitution at nucleotide position 551. The leucine at codon 184 is replaced by proline, an amino acid with similar properties. This variant was reported in individual(s) with features consistent with Peutz-Jeghers syndrome (de Leng WW et al. Clin Genet, 2007 Dec;72:568-73; Wu BD et al. Biomed Res Int, 2020 May;2020:9159315). This amino acid position is highly conserved in available vertebrate species. In addition, this alteration is predicted to be deleterious by in silico analysis. This variant is considered to be rare based on population cohorts in the Genome Aggregation Database (gnomAD). Based on the majority of available evidence to date, this variant is likely to be pathogenic.

Labcorp Genetics (formerly Invitae), Labcorp
Classification: Uncertain significance for Peutz-Jeghers syndrome. Last evaluated: 2019-04-12. Review status: criteria provided, single submitter. Criteria: Invitae Variant Classification Sherloc (09022015). Collection method: clinical testing. Allele origin: germline.
Comment: In summary, the available evidence is currently insufficient to determine the role of this variant in disease. Therefore, it has been classified as a Variant of Uncertain Significance. This sequence change replaces leucine with proline at codon 184 of the STK11 protein (p.Leu184Pro). The leucine residue is highly conserved and there is a moderate physicochemical difference between leucine and proline. This variant is not present in population databases (ExAC no frequency). This variant has been observed in an individual affected with Peutz-Jeghers syndrome (PMID: 17924967). Algorithms developed to predict the effect of missense changes on protein structure and function (SIFT, PolyPhen-2, Align-GVGD) all suggest that this variant is likely to be disruptive, but these predictions have not been confirmed by published functional studies and their clinical significance is uncertain.

Literature cited by the submitters: PubMed 17924967 (cited by Ambry Genetics and Labcorp Genetics (formerly Invitae), Labcorp); PubMed 32462036 (cited by Ambry Genetics).

NM_000455.5(STK11):c.551T>C (p.Leu184Pro)

Gene: STK11 (serine/threonine kinase 11; plus strand). Cytogenetic location: 19p13.3.
Variant type: single nucleotide variant.
Coding change: c.551T>C on transcript NM_000455.5 (MANE Select); coding-DNA position 551, T replaced by C.
Protein change: p.Leu184Pro; replaces leucine 184 with proline.
Molecular consequence: missense variant.
Genome position (GRCh38, 1-based): chr19:1,220,459, T>C. VCF-style: chr19-1220459-T-C. GRCh37 (hg19) VCF-style: chr19-1220458-T-C.
Other names: short protein forms L184P.
Identifiers: ClinVar variation 848012 (VCV000848012.10), dbSNP rs2080774695, ClinGen allele CA402949137.